The following is an entry in ClinVar:

ClinVar aggregate classification (germline): Uncertain significance (1 of 4 stars; one submission).

Submission:

Labcorp Genetics (formerly Invitae), Labcorp
Classification: Uncertain significance. Last evaluated: 2024-01-31. Review status: criteria provided, single submitter. Criteria: Invitae Variant Classification Sherloc (09022015). Collection method: clinical testing. Allele origin: germline.
Comment: This sequence change replaces leucine, which is neutral and non-polar, with phenylalanine, which is neutral and non-polar, at codon 943 of the CACNA1F protein (p.Leu943Phe). This variant is not present in population databases (gnomAD no frequency). This variant has not been reported in the literature in individuals affected with CACNA1F-related conditions. Advanced modeling of protein sequence and biophysical properties (such as structural, functional, and spatial information, amino acid conservation, physicochemical variation, residue mobility, and thermodynamic stability) performed at Invitae indicates that this missense variant is expected to disrupt CACNA1F protein function with a positive predictive value of 80%. In summary, the available evidence is currently insufficient to determine the role of this variant in disease. Therefore, it has been classified as a Variant of Uncertain Significance.

NM_001256789.3(CACNA1F):c.2796G>T (p.Leu932Phe)

Gene: CACNA1F (calcium voltage-gated channel subunit alpha1 F; minus strand). Cytogenetic location: Xp11.23.
Variant type: single nucleotide variant.
Coding change: c.2796G>T on transcript NM_001256789.3 (MANE Select); coding-DNA position 2796, G replaced by T.
Protein change: p.Leu932Phe; replaces leucine 932 with phenylalanine.
Molecular consequence: missense variant.
Genome position (GRCh38, 1-based): chrX:49,218,673, C>A on the plus strand (G>T on the coding strand, the complement: CACNA1F is on the minus strand). VCF-style: chrX-49218673-C-A. GRCh37 (hg19) VCF-style: chrX-49075132-C-A.
Other names: c.2634G>T, p.Leu878Phe (NM_001256790.3); c.2829G>T, p.Leu943Phe (NM_005183.4); short protein forms L943F, L878F, L932F.
Identifiers: ClinVar variation 2716783 (VCV002716783.3), dbSNP rs2520915017, ClinGen allele CA412964855.
Genomic context (GRCh38, chrX:49,218,673, plus strand): 5'-GGGATCTGTCACTTACTGGATGCCAAAGGAGATGAGGGACACACTGACCACCAGCAGATC[C>A]AACATATTAAACCAGCTACGGCAGAAGGAGCCGCGGTGCAGGAAGGCCCCAAACACTGTC-3'
Protein context (NP_001243718.1, residues 922-942): GSFCRSWFNM[Leu932Phe]DLLVVSVSLI